The following is an entry in ClinVar:

ClinVar aggregate classification (germline): Conflicting classifications of pathogenicity. Review status: criteria provided, conflicting classifications (1 of 4 stars). 5 submissions from 4 submitters: Uncertain significance (2); Benign (2); Likely benign (1). Last evaluated 2026-01-19.

Conditions:
Retinitis pigmentosa (RP). Identifiers: Orphanet 791, MedGen C0035334, MeSH D012174, MONDO:0019200, OMIM 268000. Inheritance: Autosomal dominant, autosomal recessive and X linked inheritance.
Congenital stationary night blindness autosomal dominant 2. Also called: NIGHT BLINDNESS, CONGENITAL STATIONARY, RAMBUSCH TYPE. Identifiers: Orphanet 215, MedGen C1876182, MONDO:0008099, OMIM 163500.

Allele frequency attached by ClinVar (database versions not stated): ESP Exome Variant Server 0.00062; gnomAD 0.00065 and 0.00032; TOPMed 0.00043; gnomAD exomes 0.00080 and 0.00145; 1000 Genomes Project 0.00160; ExAC 0.00173.
gnomAD v4.1: 1,193 of 1,467,048 alleles (0.081%); highest among the groups gnomAD compares: South Asian, 0.68%; 10 homozygotes.

Submissions (5):

Labcorp Genetics (formerly Invitae), Labcorp
Classification: Benign. Last evaluated: 2026-01-19. Review status: criteria provided, single submitter. Criteria: Invitae Variant Classification Sherloc (09022015). Collection method: clinical testing. Allele origin: germline.

Blueprint Genetics
Classification: Likely benign. Last evaluated: 2024-10-11. Review status: criteria provided, single submitter. Criteria: ACMG Guidelines, 2015. Collection method: clinical testing. Allele origin: germline.

GeneDx
Classification: Uncertain significance. Last evaluated: 2019-07-31. Review status: criteria provided, single submitter. Criteria: GeneDx Variant Classification Process June 2021. Collection method: clinical testing. Allele origin: germline. Affected: yes.
Comment: In silico analysis, which includes splice predictors and evolutionary conservation, supports a deleterious effect; Has not been previously published as pathogenic or benign to our knowledge

Illumina Laboratory Services, Illumina
Classification: Benign for Congenital stationary night blindness autosomal dominant 2. Last evaluated: 2018-01-13. Review status: criteria provided, single submitter. Criteria: ICSL Variant Classification Criteria 13 December 2019. Collection method: clinical testing. Allele origin: germline.
Comment: This variant was observed in the ICSL laboratory as part of a predisposition screen in an ostensibly healthy population. It had not been previously curated by ICSL or reported in the Human Gene Mutation Database (HGMD: prior to June 1st, 2018), and was therefore a candidate for classification through an automated scoring system. Utilizing variant allele frequency, disease prevalence and penetrance estimates, and inheritance mode, an automated score was calculated to assess if this variant is too frequent to cause the disease. Based on the score and internal cut-off values, a variant classified as benign is not then subjected to further curation. The score for this variant resulted in a classification of benign for this disease.

Illumina Laboratory Services, Illumina
Classification: Uncertain significance for Retinitis pigmentosa. Last evaluated: 2018-01-13. Review status: criteria provided, single submitter. Criteria: ICSL Variant Classification Criteria 13 December 2019. Collection method: clinical testing. Allele origin: germline.

NM_000283.4(PDE6B):c.1401+5G>A

Gene: PDE6B (phosphodiesterase 6B; plus strand). Cytogenetic location: 4p16.3.
Variant type: single nucleotide variant.
Coding change: c.1401+5G>A on transcript NM_000283.4 (MANE Select); 5 bases into the intron after coding-DNA position 1401, G replaced by A.
Molecular consequence: intron variant.
Genome position (GRCh38, 1-based): chr4:657,499, G>A. VCF-style: chr4-657499-G-A. GRCh37 (hg19) VCF-style: chr4-651288-G-A.
Other names: c.1401+5G>A (NM_001145291.2); c.564+5G>A (NM_001379246.1, NM_001379247.1, NM_001145292.2 and 1 more transcripts); c.246+5G>A (NM_001350155.3).
Identifiers: ClinVar variation 349376 (VCV000349376.19), dbSNP rs201623488, ClinGen allele CA2794473.